The following is an entry in ClinVar:

NM_198241.3(EIF4G1):c.2943C>T (p.Asp981=)

Gene: EIF4G1 (eukaryotic translation initiation factor 4 gamma 1; plus strand). Cytogenetic location: 3q27.1.
Variant type: single nucleotide variant.
Coding change: c.2943C>T on transcript NM_198241.3 (MANE Select); coding-DNA position 2943, C replaced by T.
Protein change: p.Asp981=; no amino-acid change (aspartic acid 981 retained).
Molecular consequence: synonymous variant.
Genome position (GRCh38, 1-based): chr3:184,325,355, C>T. VCF-style: chr3-184325355-C-T. GRCh37 (hg19) VCF-style: chr3-184043143-C-T.
Other names: c.2964C>T, p.Asp988= (NM_001194946.2, NM_001194947.2); c.2823C>T, p.Asp941= (NM_001291157.2); c.2358C>T, p.Asp786= (NM_004953.5); c.2946C>T, p.Asp982= (NM_182917.4); c.2451C>T, p.Asp817= (NM_198242.3); c.2682C>T, p.Asp894= (NM_198244.3).
Identifiers: ClinVar variation 4978064 (VCV004978064.1).

ClinVar aggregate classification (germline): Likely benign (1 of 4 stars; one submission).

Conditions:
EIF4G1-related disorder. Also called: EIF4G1-related condition.

gnomAD v4.1: 24 of 1,614,122 alleles (0.0015%); highest among the groups gnomAD compares: African/African-American, 0.012%; no homozygotes.

Submission:

PreventionGenetics, part of Exact Sciences
Classification: Likely benign for EIF4G1-related condition. Last evaluated: 2025-10-27. Review status: criteria provided, single submitter. Criteria: ACMG Guidelines, 2015. Collection method: clinical testing. Allele origin: germline.
Comment: This variant is classified as likely benign based on ACMG/AMP sequence variant interpretation guidelines (Richards et al. 2015 PMID: 25741868, with internal and published modifications).